The following is an entry in ClinVar:

ClinVar aggregate classification (germline): Uncertain significance (1 of 4 stars; one submission).

Submission:

GeneDx
Classification: Uncertain significance. Last evaluated: 2022-08-22. Review status: criteria provided, single submitter. Criteria: GeneDx Variant Classification Process June 2021. Collection method: clinical testing. Allele origin: germline. Affected: yes.
Comment: Not observed at significant frequency in large population cohorts (gnomAD); In silico analysis supports that this missense variant has a deleterious effect on protein structure/function; Has not been previously published as pathogenic or benign to our knowledge

NM_004606.5(TAF1):c.635T>G (p.Leu212Trp)

Gene: TAF1 (TATA-box binding protein associated factor 1; plus strand). Cytogenetic location: Xq13.1.
Variant type: single nucleotide variant.
Coding change: c.635T>G on transcript NM_004606.5 (MANE Select); coding-DNA position 635, T replaced by G.
Protein change: p.Leu212Trp; replaces leucine 212 with tryptophan.
Molecular consequence: missense variant. On other transcripts: non-coding transcript variant (9).
Genome position (GRCh38, 1-based): chrX:71,377,112, T>G. VCF-style: chrX-71377112-T-G. GRCh37 (hg19) VCF-style: chrX-70596962-T-G.
Other names: c.635T>G, p.Leu212Trp (NM_001286074.2); c.572T>G, p.Leu191Trp (NM_138923.4); short protein forms L191W, L212W.
Identifiers: ClinVar variation 2430944 (VCV002430944.1), dbSNP rs2520124952, ClinGen allele CA413506397.